The following is an entry in ClinVar:

ClinVar aggregate classification (germline): Likely benign (1 of 4 stars; one submission).

gnomAD v4.1: 2,609 of 1,614,098 alleles (0.16%); highest among the groups gnomAD compares: Non-Finnish European, 0.2%; 4 homozygotes.

Submission:

CeGaT Center for Human Genetics Tuebingen
Classification: Likely benign. Last evaluated: 2025-07-01. Review status: criteria provided, single submitter. Criteria: CeGaT Center For Human Genetics Tuebingen Variant Classification Criteria Version 2. Collection method: clinical testing. Allele origin: germline. Affected: yes. Observed: 1 variant allele.
Comment: TACC2: BP4, BS2

NM_206862.4(TACC2):c.5762C>T (p.Pro1921Leu)

Gene: TACC2 (transforming acidic coiled-coil containing protein 2; plus strand). Cytogenetic location: 10q26.13.
Variant type: single nucleotide variant.
Coding change: c.5762C>T on transcript NM_206862.4 (MANE Select); coding-DNA position 5762, C replaced by T.
Protein change: p.Pro1921Leu; replaces proline 1921 with leucine.
Molecular consequence: missense variant. On other transcripts: intron variant (8).
Genome position (GRCh38, 1-based): chr10:122,143,634, C>T. VCF-style: chr10-122143634-C-T. GRCh37 (hg19) VCF-style: chr10-123903149-C-T.
Other names: c.5846+10900C>T (NM_001291877.2); c.5699+10900C>T (NM_001291876.2, NM_001438368.1); c.5574-51406C>T (NM_001438369.1, NM_001438370.1); c.272+10900C>T (NM_206861.3); c.5759+10900C>T (NM_001438364.1); c.-1151+10900C>T (NM_001291879.2); c.5762C>T, p.Pro1921Leu (NM_001438365.1, NM_001438366.1); c.5636C>T, p.Pro1879Leu (NM_001438367.1); short protein forms P1879L, P1921L.
Identifiers: ClinVar variation 4083788 (VCV004083788.8).